The following is an entry in ClinVar:

ClinVar aggregate classification (germline): Uncertain significance (1 of 4 stars; one submission).

Conditions:
Left ventricular noncompaction 8 (LVNC8). Identifiers: Orphanet 154, Orphanet 54260, MedGen C3809288, MONDO:0014152, OMIM 615373.

Allele frequency attached by ClinVar (database versions not stated): gnomAD 0.00001; gnomAD exomes 0.00001 and 0.00002; ExAC 0.00003; TOPMed 0.00003.

Submission:

Labcorp Genetics (formerly Invitae), Labcorp
Classification: Uncertain significance for Left ventricular noncompaction 8. Last evaluated: 2025-07-24. Review status: criteria provided, single submitter. Criteria: Invitae Variant Classification Sherloc (09022015). Collection method: clinical testing. Allele origin: germline.
Comment: This sequence change replaces arginine, which is basic and polar, with cysteine, which is neutral and slightly polar, at codon 307 of the PRDM16 protein (p.Arg307Cys). This variant is present in population databases (rs774291082, gnomAD 0.004%). This variant has not been reported in the literature in individuals affected with PRDM16-related conditions. ClinVar contains an entry for this variant (Variation ID: 541388). An algorithm developed to predict the effect of missense changes on protein structure and function (PolyPhen-2) suggests that this variant is likely to be disruptive. In summary, the available evidence is currently insufficient to determine the role of this variant in disease. Therefore, it has been classified as a Variant of Uncertain Significance.

NM_022114.4(PRDM16):c.919C>T (p.Arg307Cys)

Gene: PRDM16 (PR/SET domain 16; plus strand). Cytogenetic location: 1p36.32.
Variant type: single nucleotide variant.
Coding change: c.919C>T on transcript NM_022114.4 (MANE Select); coding-DNA position 919, C replaced by T.
Protein change: p.Arg307Cys; replaces arginine 307 with cysteine.
Molecular consequence: missense variant.
Genome position (GRCh38, 1-based): chr1:3,404,773, C>T. VCF-style: chr1-3404773-C-T. GRCh37 (hg19) VCF-style: chr1-3321337-C-T.
Other names: c.919C>T, p.Arg307Cys (NM_199454.3); short protein forms R307C.
Identifiers: ClinVar variation 541388 (VCV000541388.8), dbSNP rs774291082, ClinGen allele CA544030.